The following is an entry in ClinVar:

ClinVar aggregate classification (germline): Pathogenic. Review status: criteria provided, multiple submitters, no conflicts (2 of 4 stars). 2 submissions from 2 submitters: Pathogenic (2). Last evaluated 2024-09-09.

Conditions:
Nonsyndromic genetic hearing loss. Also called: Nonsyndromic genetic deafness; Nonsyndromic hearing loss and deafness; Non-syndromic genetic deafness. Identifiers: Orphanet 87884, MedGen C5680182, MONDO:0019497.

Allele frequency attached by ClinVar (database versions not stated): ExAC 0.00002.
gnomAD v4.1: 14 of 1,613,826 alleles (0.00087%); highest among the groups gnomAD compares: Admixed American, 0.0033%; no homozygotes.

Submissions (2):

Women's Health and Genetics/Laboratory Corporation of America, LabCorp
Classification: Pathogenic for Nonsyndromic genetic hearing loss. Last evaluated: 2024-09-09. Review status: criteria provided, single submitter. Criteria: LabCorp Variant Classification Summary - May 2015. Collection method: clinical testing. Allele origin: germline.
Comment: Variant summary: SYNE4 c.889C>T (p.Arg297X) results in a premature termination codon, predicted to cause a truncation of the encoded protein or absence of the protein due to nonsense mediated decay, which are commonly known mechanisms for disease. The variant allele was found at a frequency of 8e-06 in 249460 control chromosomes. To our knowledge, no occurrence of c.889C>T in individuals affected with Nonsyndromic Hearing Loss And Deafness, Type 76 and no experimental evidence demonstrating its impact on protein function have been reported. No submitters have cited clinical-significance assessments for this variant to ClinVar. Based on the evidence outlined above, the variant was classified as pathogenic.

Labcorp Genetics (formerly Invitae), Labcorp
Classification: Pathogenic. Last evaluated: 2024-06-08. Review status: criteria provided, single submitter. Criteria: Invitae Variant Classification Sherloc (09022015). Collection method: clinical testing. Allele origin: germline.
Comment: This sequence change creates a premature translational stop signal (p.Arg297*) in the SYNE4 gene. It is expected to result in an absent or disrupted protein product. Loss-of-function variants in SYNE4 are known to be pathogenic (PMID: 23348741, 28958982). This variant is present in population databases (rs766580479, gnomAD 0.003%). This variant has not been reported in the literature in individuals affected with SYNE4-related conditions. For these reasons, this variant has been classified as Pathogenic.

Literature cited by the submitters: PubMed 23348741 (cited by Labcorp Genetics (formerly Invitae), Labcorp); PubMed 28958982 (cited by Labcorp Genetics (formerly Invitae), Labcorp).

NM_001039876.3(SYNE4):c.889C>T (p.Arg297Ter)

Gene: SYNE4 (spectrin repeat containing nuclear envelope family member 4; minus strand). Cytogenetic location: 19q13.12.
Variant type: single nucleotide variant.
Coding change: c.889C>T on transcript NM_001039876.3 (MANE Select); coding-DNA position 889, C replaced by T.
Protein change: p.Arg297Ter; replaces arginine 297 with a stop codon.
Molecular consequence: nonsense.
Genome position (GRCh38, 1-based): chr19:36,005,416, G>A on the plus strand (C>T on the coding strand, the complement: SYNE4 is on the minus strand). VCF-style: chr19-36005416-G-A. GRCh37 (hg19) VCF-style: chr19-36496318-G-A.
Other names: c.550C>T, p.Arg184Ter (NM_001297735.3); short protein forms R184*, R297*.
Identifiers: ClinVar variation 2989159 (VCV002989159.4), dbSNP rs766580479, ClinGen allele CA9393814.